The following is an entry in ClinVar:

ClinVar aggregate classification (germline): Uncertain significance (1 of 4 stars; one submission).

Conditions:
Charcot-Marie-Tooth disease type 2. Also called: Charcot-Marie-Tooth type 2. Identifiers: Orphanet 64746, MedGen C0270914, MONDO:0018993.

gnomAD v4.1: 1 of 1,553,486 alleles (0.000064%); highest among the groups gnomAD compares: Non-Finnish European, 0.000087%; no homozygotes.

Submission:

Labcorp Genetics (formerly Invitae), Labcorp
Classification: Uncertain significance for Charcot-Marie-Tooth disease type 2. Last evaluated: 2020-01-21. Review status: criteria provided, single submitter. Criteria: Invitae Variant Classification Sherloc (09022015). Collection method: clinical testing. Allele origin: germline.
Comment: In summary, the available evidence is currently insufficient to determine the role of this variant in disease. Therefore, it has been classified as a Variant of Uncertain Significance. Algorithms developed to predict the effect of missense changes on protein structure and function (SIFT, PolyPhen-2, Align-GVGD) all suggest that this variant is likely to be tolerated, but these predictions have not been confirmed by published functional studies and their clinical significance is uncertain. This variant has not been reported in the literature in individuals with MFN2-related conditions. This variant is not present in population databases (ExAC no frequency). This sequence change replaces methionine with leucine at codon 616 of the MFN2 protein (p.Met616Leu). The methionine residue is moderately conserved and there is a small physicochemical difference between methionine and leucine.

NM_014874.4(MFN2):c.1846A>T (p.Met616Leu)

Gene: MFN2 (mitofusin 2; plus strand). Cytogenetic location: 1p36.22.
Variant type: single nucleotide variant.
Coding change: c.1846A>T on transcript NM_014874.4 (MANE Select); coding-DNA position 1846, A replaced by T.
Protein change: p.Met616Leu; replaces methionine 616 with leucine.
Molecular consequence: missense variant.
Genome position (GRCh38, 1-based): chr1:12,006,667, A>T. VCF-style: chr1-12006667-A-T. GRCh37 (hg19) VCF-style: chr1-12066724-A-T.
Other names: c.1846A>T, p.Met616Leu (NM_001127660.2); short protein forms M616L.
Identifiers: ClinVar variation 1035861 (VCV001035861.9), dbSNP rs753132224, ClinGen allele CA338449373.
Genomic context (GRCh38, chr1:12,006,667, plus strand): 5'-CAGGAGGAGTTCATGGTTTCCATGGTTACCGGCCTGGCCTCCTTGACATCCAGGACCTCC[A>T]TGGGCATTCTTGTTGTTGGAGGAGTGGTCAGTGACCAGTTCTGCTCGGGAAGGTGGGGGC-3'
Protein context (NP_055689.1, residues 606-626): GLASLTSRTS[Met616Leu]GILVVGGVVW